The following is an entry in ClinVar:

ClinVar aggregate classification (germline): Uncertain significance. Review status: criteria provided, multiple submitters, no conflicts (2 of 4 stars). 3 submissions from 3 submitters: Uncertain significance (3). Last evaluated 2025-07-14.

Conditions:
Cardiovascular phenotype. Identifiers: MedGen CN230736.
Hereditary cancer-predisposing syndrome. Also called: Hereditary neoplastic syndrome; Neoplastic Syndromes, Hereditary; Tumor predisposition; Hereditary Cancer Syndrome. Identifiers: Orphanet 140162, MedGen C0027672, MeSH D009386, MONDO:0015356.
Neurofibromatosis, type 1 (NF1). Also called: VON RECKLINGHAUSEN DISEASE; Peripheral type neurofibromatosis; NEUROFIBROMATOSIS, TYPE I, SOMATIC; Neurofibromatosis, type I. Identifiers: Orphanet 636, MedGen C0027831, MONDO:0018975, OMIM 162200. Disease mechanism: loss of function.

Submissions (3):

Labcorp Genetics (formerly Invitae), Labcorp
Classification: Uncertain significance for Neurofibromatosis, type 1. Last evaluated: 2025-07-14. Review status: criteria provided, single submitter. Criteria: Invitae Variant Classification Sherloc (09022015). Collection method: clinical testing. Allele origin: germline.
Comment: This sequence change replaces glutamine, which is neutral and polar, with histidine, which is basic and polar, at codon 1966 of the NF1 protein (p.Gln1966His). This variant is not present in population databases (gnomAD no frequency). This variant has not been reported in the literature in individuals affected with NF1-related conditions. ClinVar contains an entry for this variant (Variation ID: 481939). Invitae Evidence Modeling of protein sequence and biophysical properties (such as structural, functional, and spatial information, amino acid conservation, physicochemical variation, residue mobility, and thermodynamic stability) indicates that this missense variant is expected to disrupt NF1 protein function with a positive predictive value of 80%. In summary, the available evidence is currently insufficient to determine the role of this variant in disease. Therefore, it has been classified as a Variant of Uncertain Significance.

GeneDx
Classification: Uncertain significance. Last evaluated: 2023-03-17. Review status: criteria provided, single submitter. Criteria: GeneDx Variant Classification Process June 2021. Collection method: clinical testing. Allele origin: germline. Affected: yes.
Comment: Not observed at significant frequency in large population cohorts (gnomAD); In silico analysis supports that this missense variant has a deleterious effect on protein structure/function; Has not been previously published as pathogenic or benign to our knowledge

Ambry Genetics
Classification: Uncertain significance for Cardiovascular phenotype; Hereditary cancer-predisposing syndrome. Last evaluated: 2016-07-15. Review status: criteria provided, single submitter. Criteria: Ambry Variant Classification Scheme 2023. Collection method: clinical testing. Allele origin: germline.
Comment: The p.Q1966H variant (also known as c.5898G>C), located in coding exon 39 of the NF1 gene, results from a G to C substitution at nucleotide position 5898. The glutamine at codon 1966 is replaced by histidine, an amino acid with highly similar properties. This variant was not reported in population based cohorts in the following databases: Database of Single Nucleotide Polymorphisms (dbSNP), NHLBI Exome Sequencing Project (ESP), and 1000 Genomes Project. In the ESP, this variant was not observed in 6503 samples (13006 alleles) with coverage at this position. To date, this alteration has been detected with an allele frequency of approximately 0.001% (greater than 175000 alleles tested) in our clinical cohort. This amino acid position is highly conserved in available vertebrate species. In addition, this alteration is predicted to be deleterious by in silico analysis.Since supporting evidence is limited at this time, the clinical significance of this alteration remains unclear.

NM_001042492.3(NF1):c.5961G>C (p.Gln1987His)

Gene: NF1 (neurofibromin 1; plus strand). Cytogenetic location: 17q11.2.
Variant type: single nucleotide variant.
Coding change: c.5961G>C on transcript NM_001042492.3 (MANE Select); coding-DNA position 5961, G replaced by C.
Protein change: p.Gln1987His; replaces glutamine 1987 with histidine.
Molecular consequence: missense variant.
Genome position (GRCh38, 1-based): chr17:31,334,986, G>C. VCF-style: chr17-31334986-G-C. GRCh37 (hg19) VCF-style: chr17-29662004-G-C.
Other names: c.5898G>C, p.Gln1966His (NM_000267.4); short protein forms Q1966H, Q1987H.
Identifiers: ClinVar variation 481939 (VCV000481939.7), dbSNP rs757536610, ClinGen allele CA399010877.